The following is an entry in ClinVar:

NM_007194.4(CHEK2):c.280G>A (p.Ala94Thr)

Gene: CHEK2 (checkpoint kinase 2; minus strand). Cytogenetic location: 22q12.1.
Variant type: single nucleotide variant.
Coding change: c.280G>A on transcript NM_007194.4 (MANE Select); coding-DNA position 280, G replaced by A.
Protein change: p.Ala94Thr; replaces alanine 94 with threonine.
Molecular consequence: missense variant.
Genome position (GRCh38, 1-based): chr22:28,734,442, C>T on the plus strand (G>A on the coding strand, the complement: CHEK2 is on the minus strand). VCF-style: chr22-28734442-C-T. GRCh37 (hg19) VCF-style: chr22-29130430-C-T.
Other names: c.280G>A, p.Ala94Thr (NM_001005735.3, NM_001349956.3, NM_145862.3); c.-498G>A (NM_001257387.3); short protein forms A94T.
Identifiers: ClinVar variation 410062 (VCV000410062.13), dbSNP rs753860983, ClinGen allele CA16616595.
Genomic context (GRCh38, chr22:28,734,442, plus strand): 5'-CTATACAACAAAGGGTCTTACCAAGATTGGCAAATCCATCCTGAAGGGCCCATAATCGAG[C>T]CCAGGGGGCAGGGGTAGGCTCCTCAGGTTCTTGGTCCTCAGGTTCTTGGTCCTCAGGAAT-3'
Protein context (NP_009125.1, residues 84-104): EPEEPTPAPW[Ala94Thr]RLWALQDGFA

ClinVar aggregate classification (germline): Uncertain significance. Review status: criteria provided, multiple submitters, no conflicts (2 of 4 stars). 2 submissions from 2 submitters: Uncertain significance (2). Last evaluated 2025-10-09.

Conditions:
Hereditary cancer-predisposing syndrome. Also called: Tumor predisposition; Hereditary Cancer Syndrome; Hereditary neoplastic syndrome; Neoplastic Syndromes, Hereditary. Identifiers: Orphanet 140162, MedGen C0027672, MeSH D009386, MONDO:0015356.
Familial cancer of breast. Also called: BREAST CANCER, FAMILIAL; Hereditary breast cancer; hereditary breast carcinoma. Identifiers: Orphanet 227535, MedGen C0346153, MONDO:0016419, OMIM 114480. Disease mechanism: loss of function.

Allele frequency attached by ClinVar (database versions not stated): TOPMed below 0.00001; gnomAD 0.00001.
gnomAD v4.1: 1 of 1,613,894 alleles (0.000062%); highest among the groups gnomAD compares: Non-Finnish European, 0.000085%; no homozygotes.

Submissions (2):

Ambry Genetics
Classification: Uncertain significance for Hereditary cancer-predisposing syndrome. Last evaluated: 2025-10-09. Review status: criteria provided, single submitter. Criteria: Ambry Variant Classification Scheme 2023. Collection method: clinical testing. Allele origin: germline.
Comment: The p.A94T variant (also known as c.280G>A), located in coding exon 1 of the CHEK2 gene, results from a G to A substitution at nucleotide position 280. The alanine at codon 94 is replaced by threonine, an amino acid with similar properties. This amino acid position is not well conserved in available vertebrate species. In addition, the in silico prediction for this alteration is inconclusive. Based on the available evidence, the clinical significance of this variant remains unclear.

Labcorp Genetics (formerly Invitae), Labcorp
Classification: Uncertain significance for Familial cancer of breast. Last evaluated: 2024-10-27. Review status: criteria provided, single submitter. Criteria: Invitae Variant Classification Sherloc (09022015). Collection method: clinical testing. Allele origin: germline.
Comment: This sequence change replaces alanine, which is neutral and non-polar, with threonine, which is neutral and polar, at codon 94 of the CHEK2 protein (p.Ala94Thr). This variant is not present in population databases (gnomAD no frequency). This variant has not been reported in the literature in individuals affected with CHEK2-related conditions. ClinVar contains an entry for this variant (Variation ID: 410062). An algorithm developed to predict the effect of missense changes on protein structure and function (PolyPhen-2) suggests that this variant is likely to be disruptive. In summary, the available evidence is currently insufficient to determine the role of this variant in disease. Therefore, it has been classified as a Variant of Uncertain Significance.